The following is an entry in ClinVar:

NM_001365951.3(KIF1B):c.3961A>T (p.Asn1321Tyr)

Gene: KIF1B (kinesin family member 1B; plus strand). Cytogenetic location: 1p36.22.
Variant type: single nucleotide variant.
Coding change: c.3961A>T on transcript NM_001365951.3 (MANE Select); coding-DNA position 3961, A replaced by T.
Protein change: p.Asn1321Tyr; replaces asparagine 1321 with tyrosine.
Molecular consequence: missense variant.
Genome position (GRCh38, 1-based): chr1:10,352,642, A>T. VCF-style: chr1-10352642-A-T. GRCh37 (hg19) VCF-style: chr1-10412700-A-T.
Other names: c.3961A>T, p.Asn1321Tyr (NM_001365952.1); c.3823A>T, p.Asn1275Tyr (NM_015074.3); short protein forms N1275Y, N1321Y.
Identifiers: ClinVar variation 2563649 (VCV002563649.2), dbSNP rs562486803, ClinGen allele CA581957.

ClinVar aggregate classification (germline): Uncertain significance (1 of 4 stars; one submission).

Allele frequency attached by ClinVar (database versions not stated): TOPMed below 0.00001; ExAC 0.00001; gnomAD 0.00001; 1000 Genomes Project 30x 0.00016; 1000 Genomes Project 0.00020.
gnomAD v4.1: 1 of 1,613,548 alleles (0.000062%); highest among the groups gnomAD compares: African/African-American, 0.0013%; no homozygotes.

Submission:

Ambry Genetics
Classification: Uncertain significance. Last evaluated: 2023-05-28. Review status: criteria provided, single submitter. Criteria: Ambry Variant Classification Scheme 2023. Collection method: clinical testing. Allele origin: germline.
Comment: The p.N1275Y variant (also known as c.3823A>T), located in coding exon 35 of the KIF1B gene, results from an A to T substitution at nucleotide position 3823. The asparagine at codon 1275 is replaced by tyrosine, an amino acid with dissimilar properties. This amino acid position is conserved. In addition, the in silico prediction for this alteration is inconclusive. Since supporting evidence is limited at this time, the clinical significance of this alteration remains unclear.